The following is an entry in ClinVar:

ClinVar aggregate classification (germline): Uncertain significance. Review status: criteria provided, multiple submitters, no conflicts (2 of 4 stars). 2 submissions from 2 submitters: Uncertain significance (2). Last evaluated 2025-12-03.

Conditions:
Inborn genetic diseases. Identifiers: MedGen C0950123, MeSH D030342.

gnomAD v4.1: 10 of 1,614,088 alleles (0.00062%); highest among the groups gnomAD compares: Admixed American, 0.01%; no homozygotes.

Submissions (2):

Labcorp Genetics (formerly Invitae), Labcorp
Classification: Uncertain significance. Last evaluated: 2025-12-03. Review status: criteria provided, single submitter. Criteria: Invitae Variant Classification Sherloc (09022015). Collection method: clinical testing. Allele origin: germline.
Comment: This sequence change replaces arginine, which is basic and polar, with leucine, which is neutral and non-polar, at codon 1006 of the LAMB3 protein (p.Arg1006Leu). This variant is present in population databases (rs751193145, gnomAD 0.01%). This variant has not been reported in the literature in individuals affected with LAMB3-related conditions. ClinVar contains an entry for this variant (Variation ID: 3537110). Invitae Evidence Modeling of protein sequence and biophysical properties (such as structural, functional, and spatial information, amino acid conservation, physicochemical variation, residue mobility, and thermodynamic stability) indicates that this missense variant is not expected to disrupt LAMB3 protein function with a negative predictive value of 80%. In summary, the available evidence is currently insufficient to determine the role of this variant in disease. Therefore, it has been classified as a Variant of Uncertain Significance.

Ambry Genetics
Classification: Uncertain significance for Inborn genetic diseases. Last evaluated: 2024-11-10. Review status: criteria provided, single submitter. Criteria: Ambry Variant Classification Scheme 2023. Collection method: clinical testing. Allele origin: germline.

NM_000228.3(LAMB3):c.3017G>T (p.Arg1006Leu)

Gene: LAMB3 (laminin subunit beta 3; minus strand). Cytogenetic location: 1q32.2.
Variant type: single nucleotide variant.
Coding change: c.3017G>T on transcript NM_000228.3 (MANE Select); coding-DNA position 3017, G replaced by T.
Protein change: p.Arg1006Leu; replaces arginine 1006 with leucine.
Molecular consequence: missense variant.
Genome position (GRCh38, 1-based): chr1:209,617,941, C>A on the plus strand (G>T on the coding strand, the complement: LAMB3 is on the minus strand). VCF-style: chr1-209617941-C-A. GRCh37 (hg19) VCF-style: chr1-209791286-C-A.
Other names: c.3017G>T, p.Arg1006Leu (NM_001017402.2, NM_001127641.1); short protein forms R1006L.
Identifiers: ClinVar variation 3537110 (VCV003537110.2).